The following is an entry in ClinVar:

NM_000135.4(FANCA):c.571G>T (p.Val191Leu)

Gene: FANCA (FA complementation group A; minus strand). Cytogenetic location: 16q24.3.
Variant type: single nucleotide variant.
Coding change: c.571G>T on transcript NM_000135.4 (MANE Select); coding-DNA position 571, G replaced by T.
Protein change: p.Val191Leu; replaces valine 191 with leucine.
Molecular consequence: missense variant.
Genome position (GRCh38, 1-based): chr16:89,808,319, C>A on the plus strand (G>T on the coding strand, the complement: FANCA is on the minus strand). VCF-style: chr16-89808319-C-A. GRCh37 (hg19) VCF-style: chr16-89874727-C-A.
Other names: c.571G>T, p.Val191Leu (NM_001018112.3, NM_001286167.3); c.475G>T, p.Val159Leu (NM_001351830.2); c.571G>T (NM_000135.3, LRG_495t1); short protein forms V159L, V191L.
Identifiers: ClinVar variation 657866 (VCV000657866.11), dbSNP rs1429483489, ClinGen allele CA397479224.

ClinVar aggregate classification (germline): Uncertain significance. Review status: criteria provided, multiple submitters, no conflicts (2 of 4 stars). 4 submissions from 4 submitters: Uncertain significance (3). 1 of the submissions does not count toward it. Last evaluated 2025-02-25.

Conditions:
Inborn genetic diseases. Identifiers: MedGen C0950123, MeSH D030342.
Fanconi anemia (FA). Also called: Fanconi's anemia. Identifiers: Orphanet 84, MedGen C0015625, MeSH D005199, MONDO:0019391.

Allele frequency attached by ClinVar (database versions not stated): gnomAD exomes below 0.00001; gnomAD 0.00001.
gnomAD v4.1: 3 of 1,614,024 alleles (0.00019%); no homozygotes.

Submissions (4):

Labcorp Genetics (formerly Invitae), Labcorp
Classification: Uncertain significance for Fanconi anemia. Last evaluated: 2025-02-25. Review status: criteria provided, single submitter. Criteria: Invitae Variant Classification Sherloc (09022015). Collection method: clinical testing. Allele origin: germline.
Comment: This sequence change replaces valine, which is neutral and non-polar, with leucine, which is neutral and non-polar, at codon 191 of the FANCA protein (p.Val191Leu). This variant is present in population databases (no rsID available, gnomAD 0.03%). This variant has not been reported in the literature in individuals affected with FANCA-related conditions. ClinVar contains an entry for this variant (Variation ID: 657866). Invitae Evidence Modeling of protein sequence and biophysical properties (such as structural, functional, and spatial information, amino acid conservation, physicochemical variation, residue mobility, and thermodynamic stability) has been performed for this missense variant. However, the output from this modeling did not meet the statistical confidence thresholds required to predict the impact of this variant on FANCA protein function. In summary, the available evidence is currently insufficient to determine the role of this variant in disease. Therefore, it has been classified as a Variant of Uncertain Significance.

Ambry Genetics
Classification: Uncertain significance for Inborn genetic diseases. Last evaluated: 2024-10-05. Review status: criteria provided, single submitter. Criteria: Ambry Variant Classification Scheme 2023. Collection method: clinical testing. Allele origin: germline.
Comment: The p.V191L variant (also known as c.571G>T), located in coding exon 6 of the FANCA gene, results from a G to T substitution at nucleotide position 571. The valine at codon 191 is replaced by leucine, an amino acid with highly similar properties. This amino acid position is conserved. In addition, this alteration is predicted to be tolerated by in silico analysis. Based on the available evidence, the clinical significance of this variant remains unclear.

Quest Diagnostics Nichols Institute San Juan Capistrano
Classification: Uncertain significance. Last evaluated: 2022-11-10. Review status: criteria provided, single submitter. Criteria: Quest Diagnostics criteria. Collection method: clinical testing. Allele origin: unknown.
Comment: The variant has not been reported in individuals with FANCA-related conditions in the published literature. The frequency of this variant in the general population, 0.0000071 (2/282850 chromosomes), is uninformative in assessment of its pathogenicity. Analysis of this variant using bioinformatics tools for the prediction of the effect of amino acid changes on protein structure and function yielded predictions that this variant is benign. Based on the available information, we are unable to determine the clinical significance of this variant.

Natera, Inc.
Classification: Uncertain significance for Fanconi anemia. Last evaluated: 2020-07-09. Review status: no assertion criteria provided. Collection method: clinical testing. Allele origin: germline. Not counted in ClinVar's aggregate classification.